The following is an entry in ClinVar:

NM_001110556.2(FLNA):c.1590G>T (p.Gln530His)

Gene: FLNA (filamin A; minus strand). Cytogenetic location: Xq28.
Variant type: single nucleotide variant.
Coding change: c.1590G>T on transcript NM_001110556.2 (MANE Select); coding-DNA position 1590, G replaced by T.
Protein change: p.Gln530His; replaces glutamine 530 with histidine.
Molecular consequence: missense variant.
Genome position (GRCh38, 1-based): chrX:154,365,237, C>A on the plus strand (G>T on the coding strand, the complement: FLNA is on the minus strand). VCF-style: chrX-154365237-C-A. GRCh37 (hg19) VCF-style: chrX-153593605-C-A.
Other names: c.1590G>T, p.Gln530His (NM_001456.4); short protein forms Q530H.
Identifiers: ClinVar variation 3750308 (VCV003750308.2).

ClinVar aggregate classification (germline): Uncertain significance (1 of 4 stars; one submission).

Conditions:
Melnick-Needles syndrome (MNS). Also called: MELNICK-NEEDLES OSTEODYSPLASTY; OSTEODYSPLASTY OF MELNICK AND NEEDLES; Melnick-Needles Syndrome (FLNA-MNS). Identifiers: Orphanet 2484, MedGen C0025237, MONDO:0010650, OMIM 309350.
Frontometaphyseal dysplasia (FMD1). Identifiers: Orphanet 1826, MedGen C0265293, MONDO:0015942.
Heterotopia, periventricular, X-linked dominant (PVNH1). Also called: PERIVENTRICULAR NODULAR HETEROTOPIA 1; X-linked periventricular heterotopia; PERIVENTRICULAR NODULAR HETEROTOPIA 4; HETEROTOPIA, PERIVENTRICULAR, 1. Identifiers: Orphanet 2149, Orphanet 82004, MedGen C1848213, MONDO:0010233, OMIM 300049.
Oto-palato-digital syndrome, type II (OPD2). Also called: FACIOPALATOOSSEOUS SYNDROME; OPD II SYNDROME; Otopalatodigital Syndrome, Type II; Otopalatodigital Syndrome Type 2 (FLNA-OPD2). Identifiers: Orphanet 669, Orphanet 90652, MedGen C1844696, MONDO:0010571, OMIM 304120.

Submission:

Labcorp Genetics (formerly Invitae), Labcorp
Classification: Uncertain significance for Oto-palato-digital syndrome, type II; Heterotopia, periventricular, X-linked dominant; Frontometaphyseal dysplasia; Melnick-Needles syndrome. Last evaluated: 2025-01-14. Review status: criteria provided, single submitter. Criteria: Invitae Variant Classification Sherloc (09022015). Collection method: clinical testing. Allele origin: germline.
Comment: This sequence change replaces glutamine, which is neutral and polar, with histidine, which is basic and polar, at codon 530 of the FLNA protein (p.Gln530His). This variant is not present in population databases (gnomAD no frequency). This variant has not been reported in the literature in individuals affected with FLNA-related conditions. Invitae Evidence Modeling of protein sequence and biophysical properties (such as structural, functional, and spatial information, amino acid conservation, physicochemical variation, residue mobility, and thermodynamic stability) indicates that this missense variant is not expected to disrupt FLNA protein function with a negative predictive value of 95%. In summary, the available evidence is currently insufficient to determine the role of this variant in disease. Therefore, it has been classified as a Variant of Uncertain Significance.